The following is an entry in ClinVar:

ClinVar aggregate classification (germline): Uncertain significance (1 of 4 stars; one submission).

Conditions:
Focal segmental glomerulosclerosis 5 (FSGS5). Identifiers: Orphanet 656, MedGen C2750475, MONDO:0013191, OMIM 613237.
Charcot-Marie-Tooth disease dominant intermediate E. Also called: CHARCOT-MARIE-TOOTH NEUROPATHY WITH FOCAL SEGMENTAL GLOMERULONEPHRITIS. Identifiers: Orphanet 93114, MedGen C4302667, MONDO:0013758, OMIM 614455.

Submission:

Labcorp Genetics (formerly Invitae), Labcorp
Classification: Uncertain significance for Charcot-Marie-Tooth disease dominant intermediate E; Focal segmental glomerulosclerosis 5. Last evaluated: 2024-05-19. Review status: criteria provided, single submitter. Criteria: Invitae Variant Classification Sherloc (09022015). Collection method: clinical testing. Allele origin: germline.
Comment: This sequence change replaces asparagine, which is neutral and polar, with lysine, which is basic and polar, at codon 796 of the INF2 protein (p.Asn796Lys). This variant is not present in population databases (gnomAD no frequency). This variant has not been reported in the literature in individuals affected with INF2-related conditions. Advanced modeling of protein sequence and biophysical properties (such as structural, functional, and spatial information, amino acid conservation, physicochemical variation, residue mobility, and thermodynamic stability) performed at Invitae indicates that this missense variant is not expected to disrupt INF2 protein function with a negative predictive value of 95%. In summary, the available evidence is currently insufficient to determine the role of this variant in disease. Therefore, it has been classified as a Variant of Uncertain Significance.

NM_022489.4(INF2):c.2388C>A (p.Asn796Lys)

Gene: INF2 (inverted formin 2; plus strand). Cytogenetic location: 14q32.33.
Variant type: single nucleotide variant.
Coding change: c.2388C>A on transcript NM_022489.4 (MANE Select); coding-DNA position 2388, C replaced by A.
Protein change: p.Asn796Lys; replaces asparagine 796 with lysine.
Molecular consequence: missense variant. On other transcripts: non-coding transcript variant (1).
Genome position (GRCh38, 1-based): chr14:104,711,156, C>A. VCF-style: chr14-104711156-C-A. GRCh37 (hg19) VCF-style: chr14-105177493-C-A.
Other names: c.2388C>A, p.Asn796Lys (NM_001031714.4, NM_001426862.1, NM_001426863.1 and 2 more transcripts); short protein forms N796K.
Identifiers: ClinVar variation 3753956 (VCV003753956.2).